The following is an entry in ClinVar:

NM_004656.4(BAP1):c.166C>T (p.Arg56Cys)

Gene: BAP1 (BRCA1 associated deubiquitinase 1; minus strand). Cytogenetic location: 3p21.1.
Variant type: single nucleotide variant.
Coding change: c.166C>T on transcript NM_004656.4 (MANE Select); coding-DNA position 166, C replaced by T.
Protein change: p.Arg56Cys; replaces arginine 56 with cysteine.
Molecular consequence: missense variant.
Genome position (GRCh38, 1-based): chr3:52,408,563, G>A on the plus strand (C>T on the coding strand, the complement: BAP1 is on the minus strand). VCF-style: chr3-52408563-G-A. GRCh37 (hg19) VCF-style: chr3-52442579-G-A.
Other names: c.166C>T, p.Arg56Cys (NM_001410772.1); short protein forms R56C.
Identifiers: ClinVar variation 1777653 (VCV001777653.7), dbSNP rs1312611941, ClinGen allele CA353113514.

ClinVar aggregate classification (germline): Uncertain significance. Review status: criteria provided, multiple submitters, no conflicts (2 of 4 stars). 2 submissions from 2 submitters: Uncertain significance (2). Last evaluated 2022-06-30.

Conditions:
Hereditary cancer-predisposing syndrome. Also called: Neoplastic Syndromes, Hereditary; Tumor predisposition; Hereditary Cancer Syndrome; Hereditary neoplastic syndrome. Identifiers: Orphanet 140162, MedGen C0027672, MeSH D009386, MONDO:0015356.
BAP1-related tumor predisposition syndrome (TPDS1). Also called: BAP1 tumor predisposition syndrome; Tumor susceptibility linked to germline BAP1 mutations; COMMON Syndrome; TUMOR PREDISPOSITION SYNDROME 1. Identifiers: Orphanet 289539, MedGen C3280492, MONDO:0013692, OMIM 614327.

Allele frequency attached by ClinVar (database versions not stated): gnomAD exomes below 0.00001.
gnomAD v4.1: 2 of 1,610,598 alleles (0.00012%); highest among the groups gnomAD compares: Non-Finnish European, 0.00017%; no homozygotes.

Submissions (2):

Ambry Genetics
Classification: Uncertain significance for Hereditary cancer-predisposing syndrome. Last evaluated: 2022-06-30. Review status: criteria provided, single submitter. Criteria: Ambry Variant Classification Scheme 2023. Collection method: clinical testing. Allele origin: germline.
Comment: The p.R56C variant (also known as c.166C>T), located in coding exon 4 of the BAP1 gene, results from a C to T substitution at nucleotide position 166. The arginine at codon 56 is replaced by cysteine, an amino acid with highly dissimilar properties. This amino acid position is highly conserved in available vertebrate species. In addition, the in silico prediction for this alteration is inconclusive. Since supporting evidence is limited at this time, the clinical significance of this alteration remains unclear.

Labcorp Genetics (formerly Invitae), Labcorp
Classification: Uncertain significance for BAP1-related tumor predisposition syndrome. Last evaluated: 2022-06-25. Review status: criteria provided, single submitter. Criteria: Invitae Variant Classification Sherloc (09022015). Collection method: clinical testing. Allele origin: germline.
Comment: Algorithms developed to predict the effect of missense changes on protein structure and function are either unavailable or do not agree on the potential impact of this missense change (SIFT: "Deleterious"; PolyPhen-2: "Probably Damaging"; Align-GVGD: "Class C0"). In summary, the available evidence is currently insufficient to determine the role of this variant in disease. Therefore, it has been classified as a Variant of Uncertain Significance. This variant has not been reported in the literature in individuals affected with BAP1-related conditions. The frequency data for this variant in the population databases is considered unreliable, as metrics indicate poor data quality at this position in the gnomAD database. This sequence change replaces arginine, which is basic and polar, with cysteine, which is neutral and slightly polar, at codon 56 of the BAP1 protein (p.Arg56Cys).